The following is an entry in ClinVar:

NM_022168.4(IFIH1):c.2149G>A (p.Glu717Lys)

Gene: IFIH1 (interferon induced with helicase C domain 1; minus strand). Cytogenetic location: 2q24.2.
Variant type: single nucleotide variant.
Coding change: c.2149G>A on transcript NM_022168.4 (MANE Select); coding-DNA position 2149, G replaced by A.
Protein change: p.Glu717Lys; replaces glutamic acid 717 with lysine.
Molecular consequence: missense variant.
Genome position (GRCh38, 1-based): chr2:162,276,842, C>T on the plus strand (G>A on the coding strand, the complement: IFIH1 is on the minus strand). VCF-style: chr2-162276842-C-T. GRCh37 (hg19) VCF-style: chr2-163133352-C-T.
Other names: short protein forms E717K.
Identifiers: ClinVar variation 4794049 (VCV004794049.1).
Genomic context (GRCh38, chr2:162,276,842, plus strand): 5'-ACTGGGAAAGCGCATATGCACTCTGTCGTGTTTTTGTAAAGATTATTCCTCGTGCTGATT[C>T]CTCAGTCCTAGTATATTGCTCCATTATGGTATTTCTTAATTTGGTCAGCTTTTCATTTTC-3'
Protein context (NP_071451.2, residues 707-727): TIMEQYTRTE[Glu717Lys]SARGIIFTKT

ClinVar aggregate classification (germline): Uncertain significance (1 of 4 stars; one submission).

Conditions:
Aicardi-Goutieres syndrome 7 (AGS7). Identifiers: Orphanet 51, MedGen C3888244, MONDO:0014367, OMIM 615846.
Singleton-Merten syndrome 1 (SGMRT1). Also called: Widened medullary cavities of bone, aortic calcification, abnormal dentition, and muscular weakness; Syndrome of widened medullary cavities of the metacarpals and phalanges, aortic calcification and abnormal dentition. Identifiers: Orphanet 85191, MedGen C4225427, MONDO:0024535, OMIM 182250.

gnomAD v4.1: 1 of 1,613,846 alleles (0.000062%); highest among the groups gnomAD compares: Admixed American, 0.0017%; no homozygotes.

Submission:

Labcorp Genetics (formerly Invitae), Labcorp
Classification: Uncertain significance for Aicardi-Goutieres syndrome 7; Singleton-Merten syndrome 1. Last evaluated: 2025-09-14. Review status: criteria provided, single submitter. Criteria: Invitae Variant Classification Sherloc (09022015). Collection method: clinical testing. Allele origin: germline.
Comment: This sequence change replaces glutamic acid, which is acidic and polar, with lysine, which is basic and polar, at codon 717 of the IFIH1 protein (p.Glu717Lys). This variant is present in population databases (no rsID available, gnomAD 0.003%). This variant has not been reported in the literature in individuals affected with IFIH1-related conditions. An algorithm developed to predict the effect of missense changes on protein structure and function outputs the following: PolyPhen-2: "Benign". The lysine amino acid residue is found in multiple mammalian species, which suggests that this missense change does not adversely affect protein function. In summary, the available evidence is currently insufficient to determine the role of this variant in disease. Therefore, it has been classified as a Variant of Uncertain Significance.